The following is an entry in ClinVar:

ClinVar aggregate classification (germline): Uncertain significance (1 of 4 stars; one submission).

Conditions:
Autosomal recessive limb-girdle muscular dystrophy type 2L (LGMDR12). Also called: Limb-Girdle Muscular Dystrophy R12 Anoctamin-5-Related (LGMD-R12); MUSCULAR DYSTROPHY, LIMB-GIRDLE, AUTOSOMAL RECESSIVE 12; Limb-girdle muscular dystrophy, type 2L. Identifiers: Orphanet 206549, MedGen C1969785, MONDO:0012652, OMIM 611307.
Gnathodiaphyseal dysplasia (GDD). Also called: GNATHODIAPHYSEAL SCLEROSIS; OSTEOGENESIS IMPERFECTA WITH UNUSUAL SKELETAL LESIONS. Identifiers: Orphanet 53697, MedGen C1833736, MONDO:0008151, OMIM 166260.

Submission:

Labcorp Genetics (formerly Invitae), Labcorp
Classification: Uncertain significance for Autosomal recessive limb-girdle muscular dystrophy type 2L; Gnathodiaphyseal dysplasia. Last evaluated: 2022-11-01. Review status: criteria provided, single submitter. Criteria: Invitae Variant Classification Sherloc (09022015). Collection method: clinical testing. Allele origin: germline.
Comment: This sequence change replaces isoleucine, which is neutral and non-polar, with leucine, which is neutral and non-polar, at codon 526 of the ANO5 protein (p.Ile526Leu). This variant is not present in population databases (gnomAD no frequency). This variant has not been reported in the literature in individuals affected with ANO5-related conditions. Advanced modeling of protein sequence and biophysical properties (such as structural, functional, and spatial information, amino acid conservation, physicochemical variation, residue mobility, and thermodynamic stability) performed at Invitae indicates that this missense variant is expected to disrupt ANO5 protein function. In summary, the available evidence is currently insufficient to determine the role of this variant in disease. Therefore, it has been classified as a Variant of Uncertain Significance.

NM_213599.3(ANO5):c.1576A>C (p.Ile526Leu)

Gene: ANO5 (anoctamin 5; plus strand). Cytogenetic location: 11p14.3.
Variant type: single nucleotide variant.
Coding change: c.1576A>C on transcript NM_213599.3 (MANE Select); coding-DNA position 1576, A replaced by C.
Protein change: p.Ile526Leu; replaces isoleucine 526 with leucine.
Molecular consequence: missense variant.
Genome position (GRCh38, 1-based): chr11:22,259,687, A>C. VCF-style: chr11-22259687-A-C. GRCh37 (hg19) VCF-style: chr11-22281233-A-C.
Other names: c.1573A>C, p.Ile525Leu (NM_001142649.2); c.1534A>C, p.Ile512Leu (NM_001410963.1); c.1531A>C, p.Ile511Leu (NM_001410964.1); short protein forms I525L, I511L, I512L, I526L.
Identifiers: ClinVar variation 2927164 (VCV002927164.3), dbSNP rs2494307106, ClinGen allele CA379922328.